The following is an entry in ClinVar:

ClinVar aggregate classification (germline): Pathogenic (1 of 4 stars; one submission).

Conditions:
Primary ciliary dyskinesia 3. Identifiers: Orphanet 244, MedGen C1837618, MONDO:0012085, OMIM 608644.

Submission:

Myriad Genetics, Inc.
Classification: Pathogenic for Primary ciliary dyskinesia 3. Last evaluated: 2026-02-09. Review status: criteria provided, single submitter. Criteria: Myriad Autosomal Dominant, Autosomal Recessive and X-Linked Classification Criteria (2023). Collection method: clinical testing. Allele origin: unknown.
Comment: NM_001369.2(DNAH5):c.13465delC(Q4489Rfs*4) is expected to be pathogenic in the context of primary ciliary dyskinesia, DNAH5-related. This variant is predicted to lead to an abnormal or absent protein product due to the creation of a premature termination codon in DNAH5, a gene where loss-of-function variants are known to be pathogenic. Please note: this variant was assessed in the context of healthy population screening.

NM_001369.3(DNAH5):c.13465del (p.Gln4489fs)

Gene: DNAH5 (dynein axonemal heavy chain 5; minus strand). Cytogenetic location: 5p15.2.
Variant type: Deletion.
Coding change: c.13465del on transcript NM_001369.3 (MANE Select); coding-DNA position 13465, one base deleted (C; older notation c.13465delC).
Protein change: p.Gln4489fs; shifts the reading frame from glutamine 4489.
Molecular consequence: frameshift variant.
Genome position (GRCh38, 1-based): chr5:13,701,310, G deleted on the plus strand (C on the coding strand, the reverse complement: DNAH5 is on the minus strand); the first of 5 consecutive G bases (chr5:13,701,310-13,701,314); deleting any one gives the same sequence. VCF-style (leftmost placement, unchanged base first): chr5-13701309-TG-T. GRCh37 (hg19) VCF-style: chr5-13701418-TG-T.
Other names: short protein forms Q4489fs.
Identifiers: ClinVar variation 5015529 (VCV005015529.1).